The following is an entry in ClinVar:

ClinVar aggregate classification (germline): Pathogenic (1 of 4 stars; one submission).

Conditions:
Hypercholesterolemia, autosomal dominant, type B (FHCL2). Also called: Familial Hypercholesterolemia Type B; APOLIPOPROTEIN B-100, FAMILIAL DEFECTIVE; APOLIPOPROTEIN B-100, FAMILIAL LIGAND-DEFECTIVE; Hyperlipoproteinemia Type IIb; Familial hypercholesterolemia 2; APOB-Related Familial Hypercholesterolemia, Autosomal Dominant. Identifiers: MedGen C1704417, MONDO:0007751, OMIM 144010.

Submission:

Laboratory of Medical Genetics, National & Kapodistrian University of Athens
Classification: Pathogenic for Hypercholesterolemia, autosomal dominant, type B. Last evaluated: 2021-10-05. Review status: criteria provided, single submitter. Criteria: ACMG Guidelines, 2015. Collection method: clinical testing. Allele origin: unknown. Affected: yes.
Comment: PVS1, PM2, PP4

NM_000384.3(APOB):c.11397del (p.Lys3799fs)

Gene: APOB (apolipoprotein B; minus strand). Cytogenetic location: 2p24.1.
Variant type: Deletion.
Coding change: c.11397del on transcript NM_000384.3 (MANE Select); coding-DNA position 11397, one base deleted (A; older notation c.11397delA).
Protein change: p.Lys3799fs; shifts the reading frame from lysine 3799.
Molecular consequence: frameshift variant.
Genome position (GRCh38, 1-based): chr2:21,005,471, T deleted on the plus strand (A on the coding strand, the reverse complement: APOB is on the minus strand); the first of 4 consecutive T bases (chr2:21,005,471-21,005,474); deleting any one gives the same sequence. VCF-style (leftmost placement, unchanged base first): chr2-21005470-AT-A. GRCh37 (hg19) VCF-style: chr2-21228342-AT-A.
Other names: c.11397delA (NM_000384.3); short protein forms K3799fs.
Identifiers: ClinVar variation 1299586 (VCV001299586.1), dbSNP rs2103350703, ClinGen allele CA2499215580.